The following is an entry in ClinVar:

ClinVar aggregate classification (germline): Benign. Review status: criteria provided, multiple submitters, no conflicts (2 of 4 stars). 2 submissions from 2 submitters: Benign (2). Last evaluated 2018-01-13.

Conditions:
Autosomal dominant pseudohypoaldosteronism type 1. Also called: Pseudohypoaldosteronism, Type I, Autosomal Dominant; PHA I, AUTOSOMAL DOMINANT; Pseudohypoaldosteronism, Type I, Dominant. Identifiers: Orphanet 171871, Orphanet 756, MedGen C1449842, MONDO:0008329, OMIM 177735.

Allele frequency attached by ClinVar (database versions not stated): 1000 Genomes Project 0.06150; 1000 Genomes Project 30x 0.06230; gnomAD 0.08483; gnomAD exomes 0.08726; TOPMed 0.08753.
gnomAD v4.1: 13,669 of 152,576 alleles (9%); highest among the groups gnomAD compares: Middle Eastern, 14%; 735 homozygotes.

Submissions (2):

Illumina Laboratory Services, Illumina
Classification: Benign for Autosomal dominant pseudohypoaldosteronism type 1. Last evaluated: 2018-01-13. Review status: criteria provided, single submitter. Criteria: ICSL Variant Classification Criteria 13 December 2019. Collection method: clinical testing. Allele origin: germline.
Comment: This variant was observed in the ICSL laboratory as part of a predisposition screen in an ostensibly healthy population. It had not been previously curated by ICSL or reported in the Human Gene Mutation Database (HGMD: prior to June 1st, 2018), and was therefore a candidate for classification through an automated scoring system. Utilizing variant allele frequency, disease prevalence and penetrance estimates, and inheritance mode, an automated score was calculated to assess if this variant is too frequent to cause the disease. Based on the score and internal cut-off values, a variant classified as benign is not then subjected to further curation. The score for this variant resulted in a classification of benign for this disease.

Breakthrough Genomics
Classification: Benign. Review status: criteria provided, single submitter. Criteria: ACMG Guidelines, 2015. Collection method: not provided. Allele origin: germline. Inheritance: Autosomal dominant inheritance. Affected: yes.

NM_000901.5(NR3C2):c.*1032G>A

Gene: NR3C2 (nuclear receptor subfamily 3 group C member 2; minus strand). Cytogenetic location: 4q31.23.
Variant type: single nucleotide variant.
Coding change: c.*1032G>A on transcript NM_000901.5 (MANE Select); 1032 bases downstream of the stop codon, G replaced by A.
Molecular consequence: 3 prime UTR variant. On other transcripts: non-coding transcript variant (1).
Genome position (GRCh38, 1-based): chr4:148,080,312, C>T on the plus strand (G>A on the coding strand, the complement: NR3C2 is on the minus strand). VCF-style: chr4-148080312-C-T. GRCh37 (hg19) VCF-style: chr4-149001463-C-T.
Other names: c.*1032G>A (NM_001166104.2, NM_001354819.1).
Identifiers: ClinVar variation 347705 (VCV000347705.6), dbSNP rs61763141, ClinGen allele CA10618049.